The following is an entry in ClinVar:

ClinVar aggregate classification (germline): Uncertain significance (1 of 4 stars; one submission).

gnomAD v4.1: 45 of 1,612,528 alleles (0.0028%); highest among the groups gnomAD compares: African/African-American, 0.043%; no homozygotes.

Submission:

GeneDx
Classification: Uncertain significance. Last evaluated: 2025-07-25. Review status: criteria provided, single submitter. Criteria: GeneDx Variant Classification Process June 2021. Collection method: clinical testing. Allele origin: germline. Affected: yes.
Comment: In silico analysis suggests that this missense variant does not alter protein structure/function; Has not been previously published as pathogenic or benign to our knowledge

NM_001080397.3(SLC45A1):c.899G>A (p.Arg300Gln)

Gene: SLC45A1 (solute carrier family 45 member 1; plus strand). Cytogenetic location: 1p36.23.
Variant type: single nucleotide variant.
Coding change: c.899G>A on transcript NM_001080397.3 (MANE Select); coding-DNA position 899, G replaced by A.
Protein change: p.Arg300Gln; replaces arginine 300 with glutamine.
Molecular consequence: missense variant.
Genome position (GRCh38, 1-based): chr1:8,330,392, G>A. VCF-style: chr1-8330392-G-A. GRCh37 (hg19) VCF-style: chr1-8390452-G-A.
Other names: c.899G>A, p.Arg300Gln (NM_001379614.1); c.806G>A, p.Arg269Gln (NM_001379615.1, NM_001379616.1); c.293G>A, p.Arg98Gln (NM_001379617.1, NM_001379618.1); short protein forms R269Q, R300Q, R98Q.
Identifiers: ClinVar variation 4687017 (VCV004687017.1).
Genomic context (GRCh38, chr1:8,330,392, plus strand): 5'-CCACCGTCCTGACCCTGGTCAGCATCCCTGAGAGGCCGCTGCGGCCGCCGAGTGAGAAGC[G>A]GGCAGCCATGAAGAGCCCCAGCCTCCCGCTGCCCCCGTCCCCACCCGTCCTGCCAGAGGA-3'
Protein context (NP_001073866.3, residues 290-310): ERPLRPPSEK[Arg300Gln]AAMKSPSLPL